The following is an entry in ClinVar:

NM_016169.4(SUFU):c.406T>C (p.Trp136Arg)

Gene: SUFU (SUFU negative regulator of hedgehog signaling; plus strand). Cytogenetic location: 10q24.32.
Variant type: single nucleotide variant.
Coding change: c.406T>C on transcript NM_016169.4 (MANE Select); coding-DNA position 406, T replaced by C.
Protein change: p.Trp136Arg; replaces tryptophan 136 with arginine.
Molecular consequence: missense variant.
Genome position (GRCh38, 1-based): chr10:102,550,058, T>C. VCF-style: chr10-102550058-T-C. GRCh37 (hg19) VCF-style: chr10-104309815-T-C.
Other names: c.406T>C, p.Trp136Arg (NM_001178133.2); short protein forms W136R.
Identifiers: ClinVar variation 1717890 (VCV001717890.6), dbSNP rs2544969668, ClinGen allele CA377903483.

ClinVar aggregate classification (germline): Uncertain significance (1 of 4 stars; one submission).

Conditions:
Gorlin syndrome. Also called: Nevoid Basal Cell Carcinoma Syndrome; Basal cell nevus syndrome. Identifiers: Orphanet 377, MedGen C0004779, MONDO:0007187.
Medulloblastoma (MDB). Also called: MEDULLOBLASTOMA PREDISPOSITION SYNDROME; Medulloblastoma, somatic. Identifiers: Orphanet 616, MedGen C0025149, MeSH D008527, MONDO:0007959, OMIM 155255, HP:0002885.

Submission:

Labcorp Genetics (formerly Invitae), Labcorp
Classification: Uncertain significance for Gorlin syndrome; Medulloblastoma. Last evaluated: 2022-08-23. Review status: criteria provided, single submitter. Criteria: Invitae Variant Classification Sherloc (09022015). Collection method: clinical testing. Allele origin: germline.
Comment: This sequence change replaces tryptophan, which is neutral and slightly polar, with arginine, which is basic and polar, at codon 136 of the SUFU protein (p.Trp136Arg). This variant is not present in population databases (gnomAD no frequency). This variant has not been reported in the literature in individuals affected with SUFU-related conditions. Algorithms developed to predict the effect of missense changes on protein structure and function (SIFT, PolyPhen-2, Align-GVGD) all suggest that this variant is likely to be disruptive. In summary, the available evidence is currently insufficient to determine the role of this variant in disease. Therefore, it has been classified as a Variant of Uncertain Significance.